The following is an entry in ClinVar:

NM_007103.4(NDUFV1):c.395G>A (p.Arg132His)

Gene: NDUFV1 (NADH:ubiquinone oxidoreductase core subunit V1; plus strand). Cytogenetic location: 11q13.2.
Variant type: single nucleotide variant.
Coding change: c.395G>A on transcript NM_007103.4 (MANE Select); coding-DNA position 395, G replaced by A.
Protein change: p.Arg132His; replaces arginine 132 with histidine.
Molecular consequence: missense variant.
Genome position (GRCh38, 1-based): chr11:67,609,520, G>A. VCF-style: chr11-67609520-G-A. GRCh37 (hg19) VCF-style: chr11-67376991-G-A.
Other names: c.368G>A, p.Arg123His (NM_001166102.2); short protein forms R123H, R132H.
Identifiers: ClinVar variation 4278724 (VCV004278724.1).

ClinVar aggregate classification (germline): Uncertain significance (1 of 4 stars; one submission).

gnomAD v4.1: 8 of 1,613,440 alleles (0.0005%); highest among the groups gnomAD compares: African/African-American, 0.0027%; no homozygotes.

Submission:

GeneDx
Classification: Uncertain significance. Last evaluated: 2025-04-01. Review status: criteria provided, single submitter. Criteria: GeneDx Variant Classification Process June 2021. Collection method: clinical testing. Allele origin: germline. Affected: yes.
Comment: Not observed at significant frequency in large population cohorts (gnomAD); In silico analysis supports that this missense variant has a deleterious effect on protein structure/function; Has not been previously published as pathogenic or benign to our knowledge